The following is an entry in ClinVar:

ClinVar aggregate classification (germline): Pathogenic/Likely pathogenic. Review status: criteria provided, multiple submitters, no conflicts (2 of 4 stars). 2 submissions from 2 submitters: Pathogenic (1); Likely pathogenic (1). Last evaluated 2021-04-26.

Conditions:
ZTTK syndrome (ZTTKS). Also called: Zhu-Tokita-Takenouchi-Kim Syndrome; ZTTK MULTIPLE CONGENITAL ANOMALIES-MENTAL RETARDATION SYNDROME. Identifiers: Orphanet 500150, MedGen C4310696, MONDO:0014936, OMIM 617140.

Submissions (2):

Genetics Laboratory, UDIAT-Centre Diagnòstic, Hospital Universitari Parc Tauli
Classification: Pathogenic. Last evaluated: 2021-04-26. Review status: criteria provided, single submitter. Criteria: Parc Tauli Hospital Assertion Criteria 2021. Collection method: clinical testing. Allele origin: de novo. Inheritance: Autosomal dominant inheritance. Affected: yes. Observed: 1 heterozygote.
Comment: PVS1_very strong;PM2_supporting;PM6_moderate

Institute of Human Genetics, University Hospital of Duesseldorf
Classification: Likely pathogenic for ZTTK syndrome. Review status: criteria provided, single submitter. Criteria: ACMG Guidelines, 2015. Collection method: not provided. Allele origin: germline. Inheritance: Autosomal dominant inheritance. Affected: yes.

NM_138927.4(SON):c.5662_5666del (p.Lys1888fs)

Gene: SON (SON DNA and RNA binding protein; plus strand). Cytogenetic location: 21q22.11.
Variant type: Deletion.
Coding change: c.5662_5666del on transcript NM_138927.4 (MANE Select); coding-DNA positions 5662 to 5666, 5 bases deleted (AAAGA; older notation c.5662_5666delAAAGA).
Protein change: p.Lys1888fs; shifts the reading frame from lysine 1888.
Molecular consequence: frameshift variant. On other transcripts: non-coding transcript variant (1), intron variant (1).
Genome position (GRCh38, 1-based): chr21:33,554,893-33,554,897, AAAGA deleted; deleting any 5 consecutive bases within chr21:33,554,892-33,554,897 gives the same sequence; the c. name uses the placement nearest the transcript's 3' end. VCF-style (leftmost placement, unchanged base first): chr21-33554891-CAAAAG-C. GRCh37 (hg19) VCF-style: chr21-34927197-CAAAAG-C.
Other names: c.5662_5666del, p.Lys1888fs (NM_001291411.2, NM_032195.3); c.245-2263_245-2259del (NM_001291412.3); short protein forms K1888fs.
Identifiers: ClinVar variation 1098415 (VCV001098415.3), dbSNP rs2145838966, ClinGen allele CA2499225862.
Genomic context (GRCh38, chr21:33,554,891, plus strand): 5'-CAAGACGCAGGAGGAGAAGCAGCAGATCAAGATCAAAGTCTAGAGGAAGAAGATCTGTAT[CAAAAG>C]AGAAGCGCAAAAGATCTCCAAAGCACAGATCCAAGTCTAGGGAAAGAAAAAGAAAAAGAT-3'